The following is an entry in ClinVar:

NM_000186.4(CFH):c.1905A>T (p.Glu635Asp)

Gene: CFH (complement factor H; plus strand). Cytogenetic location: 1q31.3.
Variant type: single nucleotide variant.
Coding change: c.1905A>T on transcript NM_000186.4 (MANE Select); coding-DNA position 1905, A replaced by T.
Protein change: p.Glu635Asp; replaces glutamic acid 635 with aspartic acid.
Molecular consequence: missense variant.
Genome position (GRCh38, 1-based): chr1:196,726,501, A>T. VCF-style: chr1-196726501-A-T. GRCh37 (hg19) VCF-style: chr1-196695631-A-T.
Other names: short protein forms E635D.
Identifiers: ClinVar variation 2734063 (VCV002734063.5), dbSNP rs758692733, ClinGen allele CA343987350.

ClinVar aggregate classification (germline): Uncertain significance. Review status: criteria provided, multiple submitters, no conflicts (2 of 4 stars). 3 submissions from 3 submitters: Uncertain significance (3). Last evaluated 2025-10-02.

Conditions:
Age related macular degeneration 4. Identifiers: MedGen C1853147, MONDO:0012540, OMIM 610698.
Factor H deficiency (CFHD). Also called: COMPLEMENT FACTOR H DEFICIENCY; CFH DEFICIENCY. Identifiers: Orphanet 200421, MedGen C0398777, MONDO:0012350, OMIM 609814.
Basal laminar drusen. Also called: DRUSEN OF BRUCH MEMBRANE; DRUSEN, CUTICULAR; DRUSEN, EARLY ADULT-ONSET, GROUPED. Identifiers: Orphanet 75376, MedGen C0730295, MONDO:0007472, OMIM 126700.
Hemolytic uremic syndrome, atypical, susceptibility to, 1. Also called: AHUS, SUSCEPTIBILITY TO, 1. Identifiers: Orphanet 2134, Orphanet 90038, MedGen C2749604, MONDO:0009335, OMIM 235400. Disease mechanism: Other.
Atypical hemolytic-uremic syndrome. Identifiers: Orphanet 2134, MedGen C2931788, MONDO:0016244.

Allele frequency attached by ClinVar (database versions not stated): TOPMed below 0.00001.
gnomAD v4.1: 4 of 1,612,564 alleles (0.00025%); highest among the groups gnomAD compares: Non-Finnish European, 0.00034%; no homozygotes.

Submissions (3):

Genomenon, Inc
Classification: Uncertain significance for Atypical hemolytic-uremic syndrome. Last evaluated: 2025-10-02. Review status: criteria provided, single submitter. Criteria: Genomenon Sequence Variant Interpretation Standards - Updated. Collection method: curation. Allele origin: germline. Affected: yes.
Comment: CFH p.Glu635Asp (c.1905A>T) is a missense variant that changes the amino acid at residue 635 from Glutamic acid to Aspartic acid. This variant has been observed in at least one proband affected with atypical hemolytic-uremic syndrome (PMID:17599974). It is absent or not present at a significant frequency in gnomAD. In silico models agree that this variant is not damaging. In conclusion, we classify CFH p.Glu635Asp (c.1905A>T) as a variant of uncertain significance.

Labcorp Genetics (formerly Invitae), Labcorp
Classification: Uncertain significance. Last evaluated: 2024-02-18. Review status: criteria provided, single submitter. Criteria: Invitae Variant Classification Sherloc (09022015). Collection method: clinical testing. Allele origin: germline.
Comment: This sequence change replaces glutamic acid, which is acidic and polar, with aspartic acid, which is acidic and polar, at codon 635 of the CFH protein (p.Glu635Asp). This variant is not present in population databases (gnomAD no frequency). This missense change has been observed in individual(s) with atypical hemolytic uremic syndrome (PMID: 17599974). An algorithm developed to predict the effect of missense changes on protein structure and function (PolyPhen-2) suggests that this variant is likely to be tolerated. In summary, the available evidence is currently insufficient to determine the role of this variant in disease. Therefore, it has been classified as a Variant of Uncertain Significance.

Fulgent Genetics
Classification: Uncertain significance for Basal laminar drusen; Hemolytic uremic syndrome, atypical, susceptibility to, 1; Factor H deficiency; Age related macular degeneration 4. Last evaluated: 2024-02-05. Review status: criteria provided, single submitter. Criteria: ACMG Guidelines, 2015. Collection method: clinical testing. Allele origin: germline.

Literature cited by the submitters: PubMed 17599974 (cited by Genomenon, Inc and Labcorp Genetics (formerly Invitae), Labcorp).